The following is an entry in ClinVar:

ClinVar aggregate classification (germline): Uncertain significance (1 of 4 stars; one submission).

Conditions:
Inborn genetic diseases. Identifiers: MedGen C0950123, MeSH D030342.

Submission:

Ambry Genetics
Classification: Uncertain significance for Inborn genetic diseases. Last evaluated: 2025-08-23. Review status: criteria provided, single submitter. Criteria: Ambry Variant Classification Scheme 2023. Collection method: clinical testing. Allele origin: germline.
Comment: The p.H1081N variant (also known as c.3241C>A), located in coding exon 24 of the ANKRD26 gene, results from a C to A substitution at nucleotide position 3241. The histidine at codon 1081 is replaced by asparagine, an amino acid with similar properties. This amino acid position is conserved. In addition, this alteration is predicted to be tolerated by in silico analysis. Based on the available evidence, the clinical significance of this variant remains unclear.

NM_014915.3(ANKRD26):c.3241C>A (p.His1081Asn)

Gene: ANKRD26 (ankyrin repeat domain containing 26; minus strand). Cytogenetic location: 10p12.1.
Variant type: single nucleotide variant.
Coding change: c.3241C>A on transcript NM_014915.3 (MANE Select); coding-DNA position 3241, C replaced by A.
Protein change: p.His1081Asn; replaces histidine 1081 with asparagine.
Molecular consequence: missense variant.
Genome position (GRCh38, 1-based): chr10:27,035,209, G>T on the plus strand (C>A on the coding strand, the complement: ANKRD26 is on the minus strand). VCF-style: chr10-27035209-G-T. GRCh37 (hg19) VCF-style: chr10-27324138-G-T.
Other names: c.3238C>A, p.His1080Asn (NM_001256053.2); short protein forms H1080N, H1081N.
Identifiers: ClinVar variation 4104439 (VCV004104439.1).